The following is an entry in ClinVar:

NM_000137.4(FAH):c.1025dup (p.Asp344fs)

Gene: FAH (fumarylacetoacetate hydrolase; plus strand). Cytogenetic location: 15q25.1.
Variant type: Duplication.
Coding change: c.1025dup on transcript NM_000137.4 (MANE Select); coding-DNA position 1025, one base duplicated (C; older notation c.1025dupC).
Protein change: p.Asp344fs; shifts the reading frame from aspartic acid 344.
Molecular consequence: frameshift variant.
Genome position (GRCh38, 1-based): chr15:80,180,188, C duplicated; the last of 2 consecutive C bases (chr15:80,180,187-80,180,188); duplicating either gives the same sequence. VCF-style (leftmost placement, unchanged base first): chr15-80180186-G-GC. GRCh37 (hg19) VCF-style: chr15-80472528-G-GC.
Other names: c.1025dup, p.Asp344fs (NM_001374377.1, NM_001374380.1); short protein forms D344fs.
Identifiers: ClinVar variation 945086 (VCV000945086.10), dbSNP rs2041318487, ClinGen allele CA491688116.

ClinVar aggregate classification (germline): Likely pathogenic. Review status: criteria provided, multiple submitters, no conflicts (2 of 4 stars). 2 submissions from 2 submitters: Likely pathogenic (2). Last evaluated 2023-12-10.

Conditions:
Tyrosinemia type I (TYRSN1). Also called: HEPATORENAL TYROSINEMIA; FAH DEFICIENCY; Tyrosinemia type 1; Fumarylacetoacetase deficiency; Deficiency of fumarylacetoacetase. Identifiers: Orphanet 882, MedGen C0268490, MONDO:0010161, OMIM 276700. Disease mechanism: loss of function.

Submissions (2):

Baylor Genetics
Classification: Likely pathogenic for Tyrosinemia type I. Last evaluated: 2023-12-10. Review status: criteria provided, single submitter. Criteria: ACMG Guidelines, 2015. Collection method: clinical testing. Allele origin: unknown.

Labcorp Genetics (formerly Invitae), Labcorp
Classification: Likely pathogenic for Tyrosinemia type I. Last evaluated: 2022-10-28. Review status: criteria provided, single submitter. Criteria: Invitae Variant Classification Sherloc (09022015). Collection method: clinical testing. Allele origin: germline.
Comment: In summary, the currently available evidence indicates that the variant is pathogenic, but additional data are needed to prove that conclusively. Therefore, this variant has been classified as Likely Pathogenic. This variant disrupts the p.Gly404 amino acid residue in FAH. Other variant(s) that disrupt this residue have been determined to be pathogenic (PMID: 21117323, 27814443; Invitae). This suggests that this residue is clinically significant, and that variants that disrupt this residue are likely to be disease-causing. This sequence change creates a premature translational stop signal (p.Asp344Glyfs*46) in the FAH gene. While this is not anticipated to result in nonsense mediated decay, it is expected to disrupt the last 76 amino acid(s) of the FAH protein. This variant is not present in population databases (gnomAD no frequency). This variant has not been reported in the literature in individuals affected with FAH-related conditions. ClinVar contains an entry for this variant (Variation ID: 945086).

Literature cited by the submitters: PubMed 21117323 (cited by Labcorp Genetics (formerly Invitae), Labcorp); PubMed 27814443 (cited by Labcorp Genetics (formerly Invitae), Labcorp).